The following is an entry in ClinVar:

ClinVar aggregate classification (germline): Uncertain significance (0 of 4 stars; one submission).

Conditions:
TJP2-related disorder. Also called: TJP2-related condition.

Allele frequency attached by ClinVar (database versions not stated): gnomAD exomes below 0.00001; ExAC 0.00001; gnomAD 0.00001; TOPMed 0.00001.

Submission:

PreventionGenetics, part of Exact Sciences
Classification: Uncertain significance for TJP2-related condition. Last evaluated: 2023-12-13. Review status: no assertion criteria provided. Collection method: clinical testing. Allele origin: germline.
Comment: The TJP2 c.721C>T variant is predicted to result in the amino acid substitution p.Arg241Cys. To our knowledge, this variant has not been reported in the literature. This variant is reported in 0.0034% of alleles in individuals of South Asian descent in gnomAD. At this time, the clinical significance of this variant is uncertain due to the absence of conclusive functional and genetic evidence.

NM_004817.4(TJP2):c.721C>T (p.Arg241Cys)

Gene: TJP2 (tight junction protein 2; plus strand). Cytogenetic location: 9q21.11.
Variant type: single nucleotide variant.
Coding change: c.721C>T on transcript NM_004817.4 (MANE Select); coding-DNA position 721, C replaced by T.
Protein change: p.Arg241Cys; replaces arginine 241 with cysteine.
Molecular consequence: missense variant.
Genome position (GRCh38, 1-based): chr9:69,221,265, C>T. VCF-style: chr9-69221265-C-T. GRCh37 (hg19) VCF-style: chr9-71836181-C-T.
Other names: c.652C>T, p.Arg218Cys (NM_001170414.2, NM_001369870.1, NM_001369871.1); c.733C>T, p.Arg245Cys (NM_001170415.1, NM_001369874.1, NM_001369875.1); c.814C>T, p.Arg272Cys (NM_001170416.2); c.721C>T, p.Arg241Cys (NM_001369872.1, NM_001369873.1, NM_201629.3); short protein forms R218C, R241C, R245C, R272C.
Identifiers: ClinVar variation 3058299 (VCV003058299.2), dbSNP rs768090367, ClinGen allele CA5073082.